The following is an entry in ClinVar:

ClinVar aggregate classification (germline): Benign. Review status: criteria provided, multiple submitters, no conflicts (2 of 4 stars). 3 submissions from 3 submitters: Benign (2). 1 of the submissions does not count toward it. Last evaluated 2026-02-02.

Conditions:
FBN3-related disorder. Also called: FBN3-related condition.

Allele frequency attached by ClinVar (database versions not stated): TOPMed 0.03938; 1000 Genomes Project 0.04393; 1000 Genomes Project 30x 0.04825; gnomAD 0.03451 and 0.03657; ESP Exome Variant Server 0.03868.
gnomAD v4.1: 11,196 of 1,575,946 alleles (0.71%); highest among the groups gnomAD compares: African/African-American, 12%; 566 homozygotes.

Submissions (3):

Labcorp Genetics (formerly Invitae), Labcorp
Classification: Benign. Last evaluated: 2026-02-02. Review status: criteria provided, single submitter. Criteria: Invitae Variant Classification Sherloc (09022015). Collection method: clinical testing. Allele origin: germline.

Breakthrough Genomics
Classification: Benign. Review status: criteria provided, single submitter. Criteria: ACMG Guidelines, 2015. Collection method: not provided. Allele origin: germline. Inheritance: Unknown mechanism. Affected: yes.

PreventionGenetics, part of Exact Sciences
Classification: Benign for FBN3-related condition. Last evaluated: 2019-11-25. Review status: no assertion criteria provided. Collection method: clinical testing. Allele origin: germline. Not counted in ClinVar's aggregate classification.
Comment: This variant is classified as benign based on ACMG/AMP sequence variant interpretation guidelines (Richards et al. 2015 PMID: 25741868, with internal and published modifications).

NM_032447.5(FBN3):c.7620T>G (p.His2540Gln)

Gene: FBN3 (fibrillin 3; minus strand). Cytogenetic location: 19p13.2.
Variant type: single nucleotide variant.
Coding change: c.7620T>G on transcript NM_032447.5 (MANE Select); coding-DNA position 7620, T replaced by G.
Protein change: p.His2540Gln; replaces histidine 2540 with glutamine.
Molecular consequence: missense variant.
Genome position (GRCh38, 1-based): chr19:8,075,153, A>C on the plus strand (T>G on the coding strand, the complement: FBN3 is on the minus strand). VCF-style: chr19-8075153-A-C. GRCh37 (hg19) VCF-style: chr19-8140037-A-C.
Other names: c.7620T>G (NM_001321431.1); c.7620T>G, p.His2540Gln (NM_001321431.2); short protein forms H2540Q.
Identifiers: ClinVar variation 1609992 (VCV001609992.11), dbSNP rs35477781, ClinGen allele CA9150800.